The following is an entry in ClinVar:

NM_000138.5(FBN1):c.5190C>T (p.Asn1730=)

Gene: FBN1 (fibrillin 1; minus strand). Cytogenetic location: 15q21.1.
Variant type: single nucleotide variant.
Coding change: c.5190C>T on transcript NM_000138.5 (MANE Select); coding-DNA position 5190, C replaced by T.
Protein change: p.Asn1730=; no amino-acid change (asparagine 1730 retained).
Molecular consequence: synonymous variant.
Genome position (GRCh38, 1-based): chr15:48,463,116, G>A on the plus strand (C>T on the coding strand, the complement: FBN1 is on the minus strand). VCF-style: chr15-48463116-G-A. GRCh37 (hg19) VCF-style: chr15-48755313-G-A.
Identifiers: ClinVar variation 517899 (VCV000517899.8), dbSNP rs765997414, ClinGen allele CA054406.
Genomic context (GRCh38, chr15:48,463,116, plus strand): 5'-TTGATAATGGAGAAACTAAAACTCACCTGTACTTGGGATGGGACACTGTTCACAGGGCTT[G>A]TTCCACGCCCGGCCAATGTTGTAGGAACAGCAGCACATCTTCTTGGTCATGTTGAATAAC-3'
Protein context (NP_000129.3, residues 1720-1740): CCSYNIGRAW[Asn1730=]KPCEQCPIPS

ClinVar aggregate classification (germline): Likely benign. Review status: criteria provided, multiple submitters, no conflicts (2 of 4 stars). 2 submissions from 2 submitters: Likely benign (2). Last evaluated 2021-12-25.

Conditions:
Familial thoracic aortic aneurysm and aortic dissection (TAAD). Also called: Thoracic aortic aneurysms and dissections. Identifiers: Orphanet 91387, MedGen C4707243, MONDO:0019625.
Marfan syndrome (MFS). Also called: Marfan syndrome type 1; Marfan syndrome, classic; Marfan's syndrome; FBN1-Related Marfan Syndrome; MARFAN SYNDROME, TYPE I. Identifiers: Orphanet 284963, Orphanet 558, MedGen C0024796, MONDO:0007947, OMIM 154700.

Allele frequency attached by ClinVar (database versions not stated): gnomAD exomes 0.00001 and 0.00002; ExAC 0.00002.
gnomAD v4.1: 8 of 1,614,130 alleles (0.0005%); highest among the groups gnomAD compares: South Asian, 0.0055%; no homozygotes.

Submissions (2):

Labcorp Genetics (formerly Invitae), Labcorp
Classification: Likely benign for Marfan syndrome; Familial thoracic aortic aneurysm and aortic dissection. Last evaluated: 2021-12-25. Review status: criteria provided, single submitter. Criteria: Invitae Variant Classification Sherloc (09022015). Collection method: clinical testing. Allele origin: germline.

GeneDx
Classification: Likely benign. Last evaluated: 2017-05-30. Review status: criteria provided, single submitter. Criteria: GeneDx Variant Classification (06012015). Collection method: clinical testing. Allele origin: germline. Affected: yes.
Comment: This variant is considered likely benign or benign based on one or more of the following criteria: it is a conservative change, it occurs at a poorly conserved position in the protein, it is predicted to be benign by multiple in silico algorithms, and/or has population frequency not consistent with disease.